The following is an entry in ClinVar:

NM_002226.5(JAG2):c.3471G>A (p.Pro1157=)

Gene: JAG2 (jagged canonical Notch ligand 2; minus strand). Cytogenetic location: 14q32.33.
Variant type: single nucleotide variant.
Coding change: c.3471G>A on transcript NM_002226.5 (MANE Select); coding-DNA position 3471, G replaced by A.
Protein change: p.Pro1157=; no amino-acid change (proline 1157 retained).
Molecular consequence: synonymous variant.
Genome position (GRCh38, 1-based): chr14:105,142,941, C>T on the plus strand (G>A on the coding strand, the complement: JAG2 is on the minus strand). VCF-style: chr14-105142941-C-T. GRCh37 (hg19) VCF-style: chr14-105609278-C-T.
Other names: p.Pro1157=; c.3357G>A, p.Pro1119= (NM_145159.3); c.3471G>A (NM_002226.4).
Identifiers: ClinVar variation 2644900 (VCV002644900.26), dbSNP rs200439518, ClinGen allele CA7385188.

ClinVar aggregate classification (germline): Benign/Likely benign. Review status: criteria provided, multiple submitters, no conflicts (2 of 4 stars). 3 submissions from 3 submitters: Benign (1); Likely benign (1). 1 of the submissions does not count toward it. Last evaluated 2025-02-06.

Conditions:
JAG2-related disorder. Also called: JAG2-related condition.

Allele frequency attached by ClinVar (database versions not stated): 1000 Genomes Project 30x 0.00047; 1000 Genomes Project 0.00080; gnomAD 0.00182; TOPMed 0.00187; ExAC 0.00196; ESP Exome Variant Server 0.00218; gnomAD exomes 0.00291.
gnomAD v4.1: 4,471 of 1,608,884 alleles (0.28%); highest among the groups gnomAD compares: Non-Finnish European, 0.34%; 6 homozygotes.

Submissions (3):

Mayo Clinic Laboratories, Mayo Clinic
Classification: Benign. Last evaluated: 2025-02-06. Review status: criteria provided, single submitter. Criteria: ACMG Guidelines, 2015. Collection method: clinical testing. Allele origin: germline. Observed: 4 variant alleles.
Comment: BS1, BS2, BP4, BP7

CeGaT Center for Human Genetics Tuebingen
Classification: Likely benign. Last evaluated: 2022-05-01. Review status: criteria provided, single submitter. Criteria: CeGaT Center For Human Genetics Tuebingen Variant Classification Criteria Version 2. Collection method: clinical testing. Allele origin: germline. Affected: yes. Observed: 1 variant allele.
Comment: JAG2: BP4, BP7

PreventionGenetics, part of Exact Sciences
Classification: Likely benign for JAG2-related condition. Last evaluated: 2019-03-27. Review status: no assertion criteria provided. Collection method: clinical testing. Allele origin: germline. Not counted in ClinVar's aggregate classification.
Comment: This variant is classified as likely benign based on ACMG/AMP sequence variant interpretation guidelines (Richards et al. 2015 PMID: 25741868, with internal and published modifications).